The following is an entry in ClinVar:

NM_001440.4(EXTL3):c.1843C>G (p.Pro615Ala)

Gene: EXTL3 (exostosin like glycosyltransferase 3; plus strand). Cytogenetic location: 8p21.1.
Variant type: single nucleotide variant.
Coding change: c.1843C>G on transcript NM_001440.4 (MANE Select); coding-DNA position 1843, C replaced by G.
Protein change: p.Pro615Ala; replaces proline 615 with alanine.
Molecular consequence: missense variant.
Genome position (GRCh38, 1-based): chr8:28,717,902, C>G. VCF-style: chr8-28717902-C-G. GRCh37 (hg19) VCF-style: chr8-28575419-C-G.
Other names: short protein forms P615A.
Identifiers: ClinVar variation 1034506 (VCV001034506.5), dbSNP rs1801200192, ClinGen allele CA370860926.

ClinVar aggregate classification (germline): Uncertain significance (1 of 4 stars; one submission).

Allele frequency attached by ClinVar (database versions not stated): gnomAD 0.00001.

Submission:

Labcorp Genetics (formerly Invitae), Labcorp
Classification: Uncertain significance. Last evaluated: 2022-02-04. Review status: criteria provided, single submitter. Criteria: Invitae Variant Classification Sherloc (09022015). Collection method: clinical testing. Allele origin: germline.
Comment: This sequence change replaces proline, which is neutral and non-polar, with alanine, which is neutral and non-polar, at codon 615 of the EXTL3 protein (p.Pro615Ala). This variant is not present in population databases (gnomAD no frequency). This variant has not been reported in the literature in individuals affected with EXTL3-related conditions. ClinVar contains an entry for this variant (Variation ID: 1034506). Algorithms developed to predict the effect of missense changes on protein structure and function are either unavailable or do not agree on the potential impact of this missense change (SIFT: "Tolerated"; PolyPhen-2: "Possibly Damaging"; Align-GVGD: "Class C0"). In summary, the available evidence is currently insufficient to determine the role of this variant in disease. Therefore, it has been classified as a Variant of Uncertain Significance.